The following is an entry in ClinVar:

NM_000391.4(TPP1):c.1226G>T (p.Gly409Val)

Gene: TPP1 (tripeptidyl peptidase 1; minus strand). Cytogenetic location: 11p15.4.
Variant type: single nucleotide variant.
Coding change: c.1226G>T on transcript NM_000391.4 (MANE Select); coding-DNA position 1226, G replaced by T.
Protein change: p.Gly409Val; replaces glycine 409 with valine.
Molecular consequence: missense variant.
Genome position (GRCh38, 1-based): chr11:6,615,482, C>A on the plus strand (G>T on the coding strand, the complement: TPP1 is on the minus strand). VCF-style: chr11-6615482-C-A. GRCh37 (hg19) VCF-style: chr11-6636713-C-A.
Other names: short protein forms G409V.
Identifiers: ClinVar variation 2414350 (VCV002414350.6), dbSNP rs2493796900, ClinGen allele CA379472937.

ClinVar aggregate classification (germline): Uncertain significance (1 of 4 stars; one submission).

Submission:

Labcorp Genetics (formerly Invitae), Labcorp
Classification: Uncertain significance. Last evaluated: 2024-10-15. Review status: criteria provided, single submitter. Criteria: Invitae Variant Classification Sherloc (09022015). Collection method: clinical testing. Allele origin: germline.
Comment: This sequence change replaces glycine, which is neutral and non-polar, with valine, which is neutral and non-polar, at codon 409 of the TPP1 protein (p.Gly409Val). This variant is not present in population databases (gnomAD no frequency). This variant has not been reported in the literature in individuals affected with TPP1-related conditions. ClinVar contains an entry for this variant (Variation ID: 2414350). Invitae Evidence Modeling of protein sequence and biophysical properties (such as structural, functional, and spatial information, amino acid conservation, physicochemical variation, residue mobility, and thermodynamic stability) indicates that this missense variant is expected to disrupt TPP1 protein function with a positive predictive value of 95%. In summary, the available evidence is currently insufficient to determine the role of this variant in disease. Therefore, it has been classified as a Variant of Uncertain Significance.